The following is an entry in ClinVar:

NM_001375524.1(TRRAP):c.10264_10265delinsCT (p.Ala3422Leu)

Gene: TRRAP (transformation/transcription domain associated protein; plus strand). Cytogenetic location: 7q22.1.
Variant type: Indel.
Coding change: c.10264_10265delinsCT on transcript NM_001375524.1 (MANE Select); coding-DNA positions 10264 to 10265, GC replaced by CT.
Protein change: p.Ala3422Leu; replaces alanine 3422 with leucine.
Molecular consequence: missense variant.
Genome position (GRCh38, 1-based): chr7:98,994,803-98,994,804, GC replaced by CT. VCF-style: chr7-98994803-GC-CT. GRCh37 (hg19) VCF-style: chr7-98592426-GC-CT.
Other names: c.10222_10223delinsCT, p.Ala3408Leu (NM_001244580.2); c.10135_10136delinsCT, p.Ala3379Leu (NM_003496.4); short protein forms A3379L, A3408L, A3422L.
Identifiers: ClinVar variation 1371297 (VCV001371297.6), dbSNP rs2116815452, ClinGen allele CA2573142531.

ClinVar aggregate classification (germline): Uncertain significance (1 of 4 stars; one submission).

Submission:

Labcorp Genetics (formerly Invitae), Labcorp
Classification: Uncertain significance. Last evaluated: 2021-08-16. Review status: criteria provided, single submitter. Criteria: Invitae Variant Classification Sherloc (09022015). Collection method: clinical testing. Allele origin: germline.
Comment: In summary, the available evidence is currently insufficient to determine the role of this variant in disease. Therefore, it has been classified as a Variant of Uncertain Significance. Algorithms developed to predict the effect of missense changes on protein structure and function are either unavailable or do not agree on the potential impact of this missense change (SIFT: "Not Available"; PolyPhen-2: "Possibly Damaging"; Align-GVGD: "Not Available"). This variant has not been reported in the literature in individuals affected with TRRAP-related conditions. The frequency data for this variant in the population databases is not available, as this variant may be reported as separate entries in the ExAC database. This sequence change replaces alanine with leucine at codon 3379 of the TRRAP protein (p.Ala3379Leu). The alanine residue is weakly conserved and there is a moderate physicochemical difference between alanine and leucine.